The following is an entry in ClinVar:

ClinVar aggregate classification (germline): Uncertain significance. Review status: criteria provided, multiple submitters, no conflicts (2 of 4 stars). 2 submissions from 2 submitters: Uncertain significance (2). Last evaluated 2025-09-17.

Allele frequency attached by ClinVar (database versions not stated): gnomAD exomes below 0.00001; TOPMed 0.00002; gnomAD 0.00001.
gnomAD v4.1: 4 of 1,612,578 alleles (0.00025%); highest among the groups gnomAD compares: African/African-American, 0.0053%; no homozygotes.

Submissions (2):

Labcorp Genetics (formerly Invitae), Labcorp
Classification: Uncertain significance. Last evaluated: 2025-09-17. Review status: criteria provided, single submitter. Criteria: Invitae Variant Classification Sherloc (09022015). Collection method: clinical testing. Allele origin: germline.
Comment: This sequence change replaces phenylalanine, which is neutral and non-polar, with leucine, which is neutral and non-polar, at codon 537 of the DHX32 protein (p.Phe537Leu). This variant is present in population databases (no rsID available, gnomAD 0.01%). This variant has not been reported in the literature in individuals affected with DHX32-related conditions. ClinVar contains an entry for this variant (Variation ID: 1942193). An algorithm developed to predict the effect of missense changes on protein structure and function outputs the following: PolyPhen-2: "Benign". The leucine amino acid residue is found in multiple mammalian species, which suggests that this missense change does not adversely affect protein function. In summary, the available evidence is currently insufficient to determine the role of this variant in disease. Therefore, it has been classified as a Variant of Uncertain Significance.

Ambry Genetics
Classification: Uncertain significance. Last evaluated: 2025-01-16. Review status: criteria provided, single submitter. Criteria: Ambry Variant Classification Scheme 2023. Collection method: clinical testing. Allele origin: germline.

NM_018180.3(DHX32):c.1609T>C (p.Phe537Leu)

Genes: BCCIP (BRCA2 and CDKN1A interacting protein; plus strand), DHX32 (DEAH-box helicase 32 (putative); minus strand). Cytogenetic location: 10q26.2.
Variant type: single nucleotide variant.
Coding change: c.1609T>C on transcript NM_018180.3 (MANE Select); coding-DNA position 1609, T replaced by C.
Protein change: p.Phe537Leu; replaces phenylalanine 537 with leucine.
Molecular consequence: missense variant. On other transcripts: intron variant (2).
Genome position (GRCh38, 1-based): chr10:125,840,931, A>G on the plus strand (T>C on the coding strand, the complement: DHX32 is on the minus strand). VCF-style: chr10-125840931-A-G. GRCh37 (hg19) VCF-style: chr10-127529500-A-G.
Other names: c.775-324A>G (NM_016567.4, NM_078469.3); short protein forms F537L.
Identifiers: ClinVar variation 1942193 (VCV001942193.5), dbSNP rs1035836371, ClinGen allele CA215330865.